The following is an entry in ClinVar:

ClinVar aggregate classification (germline): Pathogenic (1 of 4 stars; one submission).

Conditions:
Glycogen storage disease, type V (GSD5). Also called: PYGM DEFICIENCY; McArdle type glycogen storage disease; MCARDLE DISEASE; MUSCLE GLYCOGEN PHOSPHORYLASE DEFICIENCY; MYOPHOSPHORYLASE DEFICIENCY. Identifiers: Orphanet 368, MedGen C0017924, MONDO:0009293, OMIM 232600.

Submission:

Labcorp Genetics (formerly Invitae), Labcorp
Classification: Pathogenic for Glycogen storage disease, type V. Last evaluated: 2021-12-27. Review status: criteria provided, single submitter. Criteria: Invitae Variant Classification Sherloc (09022015). Collection method: clinical testing. Allele origin: germline.
Comment: For these reasons, this variant has been classified as Pathogenic. This variant has not been reported in the literature in individuals affected with PYGM-related conditions. This variant is not present in population databases (gnomAD no frequency). This sequence change creates a premature translational stop signal (p.Thr48Profs*41) in the PYGM gene. It is expected to result in an absent or disrupted protein product. Loss-of-function variants in PYGM are known to be pathogenic (PMID: 8316268, 16786513).

Literature cited by the submitters: PubMed 8316268; PubMed 16786513.

NM_005609.4(PYGM):c.141del (p.Thr48fs)

Gene: PYGM (glycogen phosphorylase, muscle associated; minus strand). Cytogenetic location: 11q13.1.
Variant type: Deletion.
Coding change: c.141del on transcript NM_005609.4 (MANE Select); coding-DNA position 141, one base deleted (C; older notation c.141delC).
Protein change: p.Thr48fs; shifts the reading frame from threonine 48.
Molecular consequence: frameshift variant.
Genome position (GRCh38, 1-based): chr11:64,759,758, G deleted on the plus strand (C on the coding strand, the reverse complement: PYGM is on the minus strand); the first of 2 consecutive G bases (chr11:64,759,758-64,759,759); deleting either gives the same sequence. VCF-style (leftmost placement, unchanged base first): chr11-64759757-TG-T. GRCh37 (hg19) VCF-style: chr11-64527229-TG-T.
Other names: c.141del, p.Thr48fs (NM_001164716.1); short protein forms T48fs.
Identifiers: ClinVar variation 2061823 (VCV002061823.4), dbSNP rs2496675352, ClinGen allele CA2580084890.
Genomic context (GRCh38, chr11:64,759,757, plus strand): 5'-AGCGCCCCACGAGGTGGTCGCGCACGGTATGGGCCAGAGCAAAGTAGTAGTCTCGTGGGG[TG>T]GCCACATTGCGGTCCTTTACGAGTGTGAAATGCAGGTGCCGGTTGAAGTTCTTTTTCAGC-3'